The following is an entry in ClinVar:

NM_015346.4(ZFYVE26):c.6262C>T (p.Arg2088Cys)

Gene: ZFYVE26 (zinc finger FYVE-type containing 26; minus strand). Cytogenetic location: 14q24.1.
Variant type: single nucleotide variant.
Coding change: c.6262C>T on transcript NM_015346.4 (MANE Select); coding-DNA position 6262, C replaced by T.
Protein change: p.Arg2088Cys; replaces arginine 2088 with cysteine.
Molecular consequence: missense variant.
Genome position (GRCh38, 1-based): chr14:67,762,310, G>A on the plus strand (C>T on the coding strand, the complement: ZFYVE26 is on the minus strand). VCF-style: chr14-67762310-G-A. GRCh37 (hg19) VCF-style: chr14-68229027-G-A.
Other names: c.6262C>T (NM_015346.3); short protein forms R2088C.
Identifiers: ClinVar variation 2053416 (VCV002053416.3), dbSNP rs747542484, ClinGen allele CA262823680.

ClinVar aggregate classification (germline): Uncertain significance. Review status: criteria provided, multiple submitters, no conflicts (2 of 4 stars). 2 submissions from 2 submitters: Uncertain significance (2). Last evaluated 2023-05-23.

Conditions:
Inborn genetic diseases. Identifiers: MedGen C0950123, MeSH D030342.
Spastic paraplegia. Identifiers: MedGen C0037772, HP:0001258.

Allele frequency attached by ClinVar (database versions not stated): TOPMed below 0.00001; gnomAD 0.00002.
gnomAD v4.1: 54 of 1,614,024 alleles (0.0033%); highest among the groups gnomAD compares: Non-Finnish European, 0.0043%; no homozygotes.

Submissions (2):

Ambry Genetics
Classification: Uncertain significance for Inborn genetic diseases. Last evaluated: 2023-05-23. Review status: criteria provided, single submitter. Criteria: Ambry Variant Classification Scheme 2023. Collection method: clinical testing. Allele origin: germline.

Labcorp Genetics (formerly Invitae), Labcorp
Classification: Uncertain significance for Spastic paraplegia. Last evaluated: 2021-12-27. Review status: criteria provided, single submitter. Criteria: Invitae Variant Classification Sherloc (09022015). Collection method: clinical testing. Allele origin: germline.
Comment: This sequence change replaces arginine, which is basic and polar, with cysteine, which is neutral and slightly polar, at codon 2088 of the ZFYVE26 protein (p.Arg2088Cys). This variant is present in population databases (rs747542484, gnomAD 0.004%). This variant has not been reported in the literature in individuals affected with ZFYVE26-related conditions. Algorithms developed to predict the effect of missense changes on protein structure and function are either unavailable or do not agree on the potential impact of this missense change (SIFT: "Deleterious"; PolyPhen-2: "Probably Damaging"; Align-GVGD: "Class C0"). In summary, the available evidence is currently insufficient to determine the role of this variant in disease. Therefore, it has been classified as a Variant of Uncertain Significance.